The following is an entry in ClinVar:

NM_003673.4(TCAP):c.43_49dup (p.Arg17delinsLeuTer)

Gene: TCAP (titin-cap; plus strand). Cytogenetic location: 17q12.
Variant type: Duplication.
Coding change: c.43_49dup on transcript NM_003673.4 (MANE Select); coding-DNA positions 43 to 49, 7 bases duplicated (TGTGAGC; older notation c.43_49dupTGTGAGC).
Protein change: p.Arg17delinsLeuTer.
Molecular consequence: nonsense.
Genome position (GRCh38, 1-based): chr17:39,665,402-39,665,408, TGTGAGC duplicated; duplicating any 7 consecutive bases within chr17:39,665,401-39,665,408 gives the same sequence; the c. name uses the placement nearest the transcript's 3' end. VCF-style (leftmost placement, unchanged base first): chr17-39665400-A-ACTGTGAG. GRCh37 (hg19) VCF-style: chr17-37821653-A-ACTGTGAG.
Identifiers: ClinVar variation 290308 (VCV000290308.15), dbSNP rs886044421, ClinGen allele CA10606734.

ClinVar aggregate classification (germline): Pathogenic/Likely pathogenic. Review status: criteria provided, multiple submitters, no conflicts (2 of 4 stars). 2 submissions from 2 submitters: Pathogenic (1); Likely pathogenic (1). Last evaluated 2020-11-24.

Conditions:
Hypertrophic cardiomyopathy 25 (CMH25). Also called: CARDIOMYOPATHY, FAMILIAL HYPERTROPHIC, 25. Identifiers: MedGen C4225408, MONDO:0011843, OMIM 607487.
Primary familial hypertrophic cardiomyopathy (HCM). Identifiers: Orphanet 99739, MedGen C0949658, MeSH D024741, MONDO:0024573. Inheritance: Various modes of inheritance.

Submissions (2):

Labcorp Genetics (formerly Invitae), Labcorp
Classification: Pathogenic for Hypertrophic cardiomyopathy 25; Primary familial hypertrophic cardiomyopathy. Last evaluated: 2020-11-24. Review status: criteria provided, single submitter. Criteria: Invitae Variant Classification Sherloc (09022015). Collection method: clinical testing. Allele origin: germline.
Comment: This sequence change creates a premature translational stop signal (p.Arg17Leufs*2) in the TCAP gene. It is expected to result in an absent or disrupted protein product. Loss-of-function variants in TCAP are known to be pathogenic (PMID: 10655062, 21530252, 25055047). This variant is not present in population databases (ExAC no frequency). This variant has been observed in individual(s) with limb-girdle muscular dystrophy (PMID: 30564623). ClinVar contains an entry for this variant (Variation ID: 290308). Algorithms developed to predict the effect of sequence changes on RNA splicing suggest that this variant may create or strengthen a splice site, but this prediction has not been confirmed by published transcriptional studies. For these reasons, this variant has been classified as Pathogenic.

Eurofins Ntd Llc (ga)
Classification: Likely pathogenic. Last evaluated: 2016-09-18. Review status: criteria provided, single submitter. Criteria: EGL Classification Definitions. Collection method: clinical testing. Allele origin: germline. Observed: 1 variant allele, 1 heterozygote.

Literature cited by the submitters: PubMed 10655062 (cited by Labcorp Genetics (formerly Invitae), Labcorp); PubMed 21530252 (cited by Labcorp Genetics (formerly Invitae), Labcorp); PubMed 25055047 (cited by Labcorp Genetics (formerly Invitae), Labcorp); PubMed 30564623 (cited by Labcorp Genetics (formerly Invitae), Labcorp).